The following is an entry in ClinVar:

NM_014946.4(SPAST):c.312_317dup (p.104AP[3])

Gene: SPAST (spastin; plus strand). Cytogenetic location: 2p22.3.
Variant type: Duplication.
Coding change: c.312_317dup on transcript NM_014946.4 (MANE Select); coding-DNA positions 312 to 317, 6 bases duplicated (CCCGGC; older notation c.312_317dupCCCGGC).
Protein change: p.104AP[3].
Molecular consequence: inframe insertion.
Genome position (GRCh38, 1-based): chr2:32,064,143-32,064,148, CCCGGC duplicated; duplicating any 6 consecutive bases within chr2:32,064,139-32,064,148 gives the same sequence; the c. name uses the placement nearest the transcript's 3' end. VCF-style (leftmost placement, unchanged base first): chr2-32064138-T-TCGGCCC. GRCh37 (hg19) VCF-style: chr2-32289207-T-TCGGCCC.
Other names: c.312_317dupCCCGGC (NM_014946.3); c.312_317dup, p.104AP[3] (NM_001363823.2, NM_001363875.2, NM_001377959.1 and 1 more transcripts).
Identifiers: ClinVar variation 634609 (VCV000634609.6), dbSNP rs747993450, ClinGen allele CA1600546.

ClinVar aggregate classification (germline): Uncertain significance. Review status: criteria provided, multiple submitters, no conflicts (2 of 4 stars). 2 submissions from 2 submitters: Uncertain significance (2). Last evaluated 2024-04-30.

Conditions:
Hereditary spastic paraplegia 4. Also called: Spastic paraplegia 4, autosomal dominant; Familial spastic paraplegia autosomal dominant 2; Spastic Paraplegia 4. Identifiers: Orphanet 100985, MedGen C1866855, MONDO:0008438, OMIM 182601.

Submissions (2):

Labcorp Genetics (formerly Invitae), Labcorp
Classification: Uncertain significance for Hereditary spastic paraplegia 4. Last evaluated: 2024-04-30. Review status: criteria provided, single submitter. Criteria: Invitae Variant Classification Sherloc (09022015). Collection method: clinical testing. Allele origin: germline.
Comment: This variant, c.312_317dup, results in the insertion of 2 amino acid(s) of the SPAST protein (p.Ala106_Pro107dup), but otherwise preserves the integrity of the reading frame. The frequency data for this variant in the population databases is considered unreliable, as metrics indicate poor data quality at this position in the gnomAD database. This variant has been observed in individual(s) with amyotrophic lateral sclerosis (PMID: 33589474). ClinVar contains an entry for this variant (Variation ID: 634609). Experimental studies and prediction algorithms are not available or were not evaluated, and the functional significance of this variant is currently unknown. In summary, the available evidence is currently insufficient to determine the role of this variant in disease. Therefore, it has been classified as a Variant of Uncertain Significance.

Genomic Research Center, Shahid Beheshti University of Medical Sciences
Classification: Uncertain significance for Spastic paraplegia 4, autosomal dominant. Last evaluated: 2019-01-01. Review status: criteria provided, single submitter. Criteria: ACMG Guidelines, 2015. Collection method: clinical testing. Allele origin: unknown. Affected: yes. Observed: 1 variant allele.

Literature cited by the submitters: PubMed 33589474 (cited by Labcorp Genetics (formerly Invitae), Labcorp).